The following is an entry in ClinVar:

NM_007294.4(BRCA1):c.1845_1846del (p.Ser616fs)

Gene: BRCA1 (BRCA1 DNA repair associated; minus strand). Cytogenetic location: 17q21.31.
Variant type: Deletion.
Coding change: c.1845_1846del on transcript NM_007294.4 (MANE Select); coding-DNA positions 1845 to 1846, 2 bases deleted (TT; older notation c.1845_1846delTT).
Protein change: p.Ser616fs; shifts the reading frame from serine 616.
Molecular consequence: frameshift variant. On other transcripts: intron variant (137).
Genome position (GRCh38, 1-based): chr17:43,093,685-43,093,686, AA deleted on the plus strand (TT on the coding strand, the reverse complement: BRCA1 is on the minus strand). VCF-style (leftmost placement, unchanged base first): chr17-43093684-GAA-G. GRCh37 (hg19) VCF-style: chr17-41245701-GAA-G.
Other names: c.1632_1633del, p.Ser545fs (NM_001407571.1, NM_001407853.1, NM_001407894.1 and 9 more transcripts); c.1845_1846del, p.Ser616fs (NM_001407581.1, NM_001407582.1, NM_001407583.1 and 30 more transcripts); c.1842_1843del, p.Ser615fs (NM_001407587.1, NM_001407590.1, NM_001407591.1 and 22 more transcripts); c.1836_1837del, p.Ser613fs (NM_001407646.1, NM_001407647.1); c.1722_1723del, p.Ser575fs (NM_001407648.1, NM_001407664.1, NM_001407665.1 and 19 more transcripts); c.1719_1720del, p.Ser574fs (NM_001407649.1, NM_001407670.1, NM_001407671.1 and 11 more transcripts); c.1767_1768del, p.Ser590fs (NM_001407653.1, NM_001407654.1, NM_001407655.1 and 4 more transcripts); c.1764_1765del, p.Ser589fs (NM_001407659.1, NM_001407660.1, NM_001407661.1 and 1 more transcripts); and 41 more; short protein forms S616fs, S569fs, S320fs, S489fs, S527fs, S528fs, S546fs, S548fs.
Identifiers: ClinVar variation 953656 (VCV000953656.9), dbSNP rs2053874117, ClinGen allele CA1139664788.
Genomic context (GRCh38, chr17:43,093,684, plus strand): 5'-CAATTAGGTGGGCTTAGATTTCTACTGACTACTAGTTCAAGCGCATGAATATGCCTGGTA[GAA>G]GACTTCCTCCTCAGCCTATTCTTTTTAGGTGCTTTTGAATTGTGGATATTTAATTCGAGT-3'

ClinVar aggregate classification (germline): Pathogenic (1 of 4 stars; one submission).

Conditions:
Hereditary breast ovarian cancer syndrome. Also called: Hereditary breast and ovarian cancer; Hereditary breast and/or ovarian cancer syndrome; Hereditary breast and ovarian cancer syndrome; Hereditary breast and ovarian cancer syndrome (HBOC); Breast and ovarian cancer; BRCA1- and BRCA2-Associated Hereditary Breast and Ovarian Cancer. Identifiers: Orphanet 145, MedGen C0677776, MeSH D061325, MONDO:0003582. Disease mechanism: loss of function.

Submission:

Labcorp Genetics (formerly Invitae), Labcorp
Classification: Pathogenic for Hereditary breast ovarian cancer syndrome. Last evaluated: 2020-03-27. Review status: criteria provided, single submitter. Criteria: Invitae Variant Classification Sherloc (09022015). Collection method: clinical testing. Allele origin: germline.
Comment: For these reasons, this variant has been classified as Pathogenic. Loss-of-function variants in BRCA1 are known to be pathogenic (PMID: 20104584). This variant has not been reported in the literature in individuals with BRCA1-related conditions. This variant is not present in population databases (ExAC no frequency). This sequence change creates a premature translational stop signal (p.Ser616Tyrfs*8) in the BRCA1 gene. It is expected to result in an absent or disrupted protein product.

Literature cited by the submitters: PubMed 20104584.